The following is an entry in ClinVar:

ClinVar aggregate classification (germline): Uncertain significance. Review status: criteria provided, multiple submitters, no conflicts (2 of 4 stars). 2 submissions from 2 submitters: Uncertain significance (2). Last evaluated 2025-08-28.

Conditions:
Inborn genetic diseases. Identifiers: MedGen C0950123, MeSH D030342.
Glutaric aciduria, type 1. Also called: Glutaricacidemia Type 1; Glutaricaciduria, type I; GA I; Glutaric Acidemia Type 1; Glutaryl-CoA dehydrogenase deficiency; Glutaric acidemia type I. Identifiers: Orphanet 25, MedGen C0268595, MONDO:0009281, OMIM 231670.

gnomAD v4.1: 1 of 1,613,406 alleles (0.000062%); highest among the groups gnomAD compares: Non-Finnish European, 0.000085%; no homozygotes.

Submissions (2):

Ambry Genetics
Classification: Uncertain significance for Inborn genetic diseases. Last evaluated: 2025-08-28. Review status: criteria provided, single submitter. Criteria: Ambry Variant Classification Scheme 2023. Collection method: clinical testing. Allele origin: germline.

Labcorp Genetics (formerly Invitae), Labcorp
Classification: Uncertain significance for Glutaric aciduria, type 1. Last evaluated: 2025-07-24. Review status: criteria provided, single submitter. Criteria: Invitae Variant Classification Sherloc (09022015). Collection method: clinical testing. Allele origin: germline.
Comment: This sequence change replaces isoleucine, which is neutral and non-polar, with phenylalanine, which is neutral and non-polar, at codon 343 of the GCDH protein (p.Ile343Phe). This variant is not present in population databases (gnomAD no frequency). This variant has not been reported in the literature in individuals affected with GCDH-related conditions. Invitae Evidence Modeling of protein sequence and biophysical properties (such as structural, functional, and spatial information, amino acid conservation, physicochemical variation, residue mobility, and thermodynamic stability) indicates that this missense variant is expected to disrupt GCDH protein function with a positive predictive value of 80%. In summary, the available evidence is currently insufficient to determine the role of this variant in disease. Therefore, it has been classified as a Variant of Uncertain Significance.

NM_000159.4(GCDH):c.1027A>T (p.Ile343Phe)

Gene: GCDH (glutaryl-CoA dehydrogenase; plus strand). Cytogenetic location: 19p13.13.
Variant type: single nucleotide variant.
Coding change: c.1027A>T on transcript NM_000159.4 (MANE Select); coding-DNA position 1027, A replaced by T.
Protein change: p.Ile343Phe; replaces isoleucine 343 with phenylalanine.
Molecular consequence: missense variant. On other transcripts: non-coding transcript variant (2).
Genome position (GRCh38, 1-based): chr19:12,897,373, A>T. VCF-style: chr19-12897373-A-T. GRCh37 (hg19) VCF-style: chr19-13008187-A-T.
Other names: c.1027A>T, p.Ile343Phe (NM_013976.5); short protein forms I343F.
Identifiers: ClinVar variation 4262502 (VCV004262502.2).
Genomic context (GRCh38, chr19:12,897,373, plus strand): 5'-GGTGTCCCACTGGCCAGGAACCAGCTGATTCAGAAGAAGCTGGCAGACATGCTCACTGAG[A>T]TTACCCTGGGCCTTCACGCCTGCCTGCAGCTCGGCCGCTTGAAGGACCAGGACAAGTAGG-3'
Protein context (NP_000150.1, residues 333-353): QKKLADMLTE[Ile343Phe]TLGLHACLQL